The following is an entry in ClinVar:

ClinVar aggregate classification (germline): Uncertain significance (1 of 4 stars; one submission).

Conditions:
Tumor predisposition syndrome 3 (TPDS3). Also called: Melanoma, cutaneous malignant, susceptibility to, 10; Glioma susceptibility 9; LONG TELOMERE SYNDROME, POT1-RELATED; POT1 Tumor Predisposition. Identifiers: Orphanet 618, MedGen C4014476, MONDO:0014368, OMIM 615848.

Submission:

Labcorp Genetics (formerly Invitae), Labcorp
Classification: Uncertain significance for Tumor predisposition syndrome 3. Last evaluated: 2025-05-18. Review status: criteria provided, single submitter. Criteria: Invitae Variant Classification Sherloc (09022015). Collection method: clinical testing. Allele origin: germline.
Comment: This sequence change replaces phenylalanine, which is neutral and non-polar, with isoleucine, which is neutral and non-polar, at codon 62 of the POT1 protein (p.Phe62Ile). This variant is not present in population databases (gnomAD no frequency). This variant has not been reported in the literature in individuals affected with POT1-related conditions. Invitae Evidence Modeling of protein sequence and biophysical properties (such as structural, functional, and spatial information, amino acid conservation, physicochemical variation, residue mobility, and thermodynamic stability) indicates that this missense variant is not expected to disrupt POT1 protein function with a negative predictive value of 80%. In summary, the available evidence is currently insufficient to determine the role of this variant in disease. Therefore, it has been classified as a Variant of Uncertain Significance.

NM_015450.3(POT1):c.184T>A (p.Phe62Ile)

Gene: POT1 (protection of telomeres 1; minus strand). Cytogenetic location: 7q31.33.
Variant type: single nucleotide variant.
Coding change: c.184T>A on transcript NM_015450.3 (MANE Select); coding-DNA position 184, T replaced by A.
Protein change: p.Phe62Ile; replaces phenylalanine 62 with isoleucine.
Molecular consequence: missense variant. On other transcripts: non-coding transcript variant (3), intron variant (1).
Genome position (GRCh38, 1-based): chr7:124,870,982, A>T on the plus strand (T>A on the coding strand, the complement: POT1 is on the minus strand). VCF-style: chr7-124870982-A-T. GRCh37 (hg19) VCF-style: chr7-124511036-A-T.
Other names: c.-138-7342T>A (NM_001042594.2); short protein forms F62I.
Identifiers: ClinVar variation 4746057 (VCV004746057.1).